The following is an entry in ClinVar:

NM_000138.5(FBN1):c.4222dup (p.Cys1408fs)

Genes: FBN1 (fibrillin 1; minus strand), LOC126862124 (CDK7 strongly-dependent group 2 enhancer GRCh37_chr15:48764566-48765765; plus strand). Cytogenetic location: 15q21.1.
Variant type: Duplication.
Coding change: c.4222dup on transcript NM_000138.5 (MANE Select); coding-DNA position 4222, one base duplicated (T; older notation c.4222dupT).
Protein change: p.Cys1408fs; shifts the reading frame from cysteine 1408.
Molecular consequence: frameshift variant.
Genome position (GRCh38, 1-based): chr15:48,472,665, A duplicated on the plus strand (T on the coding strand, the reverse complement: FBN1 is on the minus strand). VCF-style (leftmost placement, unchanged base first): chr15-48472664-C-CA. GRCh37 (hg19) VCF-style: chr15-48764861-C-CA.
Other names: c.4222dupT (NM_000138.4); short protein forms C1408fs.
Identifiers: ClinVar variation 418767 (VCV000418767.2), dbSNP rs1555397562, ClinGen allele CA16619957.

ClinVar aggregate classification (germline): Pathogenic (1 of 4 stars; one submission).

Submission:

GeneDx
Classification: Pathogenic. Last evaluated: 2017-09-25. Review status: criteria provided, single submitter. Criteria: GeneDx Variant Classification (06012015). Collection method: clinical testing. Allele origin: germline. Affected: yes.
Comment: Although the c.4222dupT pathogenic variant in the FBN1 gene has not been reported to our knowledge, this variant causes a shift in reading frame starting at codon cysteine 1408, changing it to a leucine, and creating a premature stop codon at position 3 of the new reading frame, denoted p.Cys1408LeufsX3. This pathogenic variant is expected to result in either an abnormal, truncated protein product or loss of protein from this allele through nonsense-mediated mRNA decay. Other frameshift variants in the FBN1 gene have been reported in Human Gene Mutation Database in association with FBN1-related disorders (Stenson et al., 2014), indicating that loss of function is a mechanism of disease for this gene. Furthermore, the c.4222dupT variant has not been observed in large population cohorts (Lek et al., 2016).